The following is an entry in ClinVar:

ClinVar aggregate classification (germline): Benign. Review status: criteria provided, multiple submitters, no conflicts (2 of 4 stars). 6 submissions from 6 submitters: Benign (5). 1 of the submissions does not count toward it. Last evaluated 2021-06-19.

Conditions:
Mucopolysaccharidosis type 6 (MPS6). Also called: MPS VI; ARSB DEFICIENCY; ARYLSULFATASE B DEFICIENCY; N-ACETYLGALACTOSAMINE-4-SULFATASE DEFICIENCY; MPS 6; Maroteaux Lamy syndrome. Identifiers: Orphanet 583, MedGen C0026709, MONDO:0009661, OMIM 253200.

Allele frequency attached by ClinVar (database versions not stated): 1000 Genomes Project 30x 0.11415; 1000 Genomes Project 0.11901; gnomAD 0.13972 and 0.14194; TOPMed 0.14060; ESP Exome Variant Server 0.14878; gnomAD exomes 0.16757 and 0.17788; ExAC 0.16830.
gnomAD v4.1: 278,232 of 1,596,616 alleles (17%); highest among the groups gnomAD compares: Middle Eastern, 23%; 25,683 homozygotes.

Submissions (6):

Pars Genome Lab
Classification: Benign for Mucopolysaccharidosis type 6. Last evaluated: 2021-06-19. Review status: criteria provided, single submitter. Criteria: ACMG Guidelines, 2015. Collection method: clinical testing. Allele origin: germline. Affected: no.

Laboratory of Diagnosis and Therapy of Lysosomal Disorders, University of Padova
Classification: Benign for Mucopolysaccharidosis type 6. Last evaluated: 2018-01-01. Review status: criteria provided, single submitter. Criteria: ACMG Guidelines, 2015. Collection method: curation. Allele origin: germline. Affected: yes.
Comment: Allele frequency greater than 5% in ExAC (BA1)

GeneDx
Classification: Benign. Last evaluated: 2015-03-03. Review status: criteria provided, single submitter. Criteria: GeneDx Variant Classification Process June 2021. Collection method: clinical testing. Allele origin: germline. Affected: yes.

Breakthrough Genomics
Classification: Benign. Review status: criteria provided, single submitter. Criteria: ACMG Guidelines, 2015. Collection method: not provided. Allele origin: germline. Inheritance: Autosomal recessive inheritance. Affected: yes.

PreventionGenetics, part of Exact Sciences
Classification: Benign. Review status: criteria provided, single submitter. Criteria: ACMG Guidelines, 2015. Collection method: clinical testing. Allele origin: germline.

Mayo Clinic Laboratories, Mayo Clinic
Classification: Benign. Last evaluated: 2015-10-22. Review status: no assertion criteria provided. Collection method: clinical testing. Allele origin: unknown. Not counted in ClinVar's aggregate classification.

Literature cited by the submitters: PubMed 28649537 (cited by Laboratory of Diagnosis and Therapy of Lysosomal Disorders, University of Padova); PubMed 30118150 (cited by Laboratory of Diagnosis and Therapy of Lysosomal Disorders, University of Padova).

NM_000046.5(ARSB):c.691-22T>C

Gene: ARSB (arylsulfatase B; minus strand). Cytogenetic location: 5q14.1.
Variant type: single nucleotide variant.
Coding change: c.691-22T>C on transcript NM_000046.5 (MANE Select); 22 bases into the intron before coding-DNA position 691, T replaced by C.
Molecular consequence: intron variant.
Genome position (GRCh38, 1-based): chr5:78,955,524, A>G on the plus strand (T>C on the coding strand, the complement: ARSB is on the minus strand). VCF-style: chr5-78955524-A-G. GRCh37 (hg19) VCF-style: chr5-78251347-A-G.
Other names: c.691-22T>C (NM_198709.3).
Identifiers: ClinVar variation 254740 (VCV000254740.10), dbSNP rs6870443, ClinGen allele CA3318198.